The following is an entry in ClinVar:

ClinVar aggregate classification (germline): Uncertain significance (1 of 4 stars; one submission).

Allele frequency attached by ClinVar (database versions not stated): ExAC 0.00001; gnomAD 0.00001; gnomAD exomes 0.00001 and 0.00002.
gnomAD v4.1: 27 of 1,614,066 alleles (0.0017%); highest among the groups gnomAD compares: African/African-American, 0.0027%; no homozygotes.

Submission:

Labcorp Genetics (formerly Invitae), Labcorp
Classification: Uncertain significance. Last evaluated: 2022-08-23. Review status: criteria provided, single submitter. Criteria: Invitae Variant Classification Sherloc (09022015). Collection method: clinical testing. Allele origin: germline.
Comment: This sequence change replaces isoleucine, which is neutral and non-polar, with valine, which is neutral and non-polar, at codon 102 of the ARCN1 protein (p.Ile102Val). This variant is present in population databases (rs782327218, gnomAD 0.0009%). This variant has not been reported in the literature in individuals affected with ARCN1-related conditions. ClinVar contains an entry for this variant (Variation ID: 1419384). Algorithms developed to predict the effect of missense changes on protein structure and function are either unavailable or do not agree on the potential impact of this missense change (SIFT: "Deleterious"; PolyPhen-2: "Benign"; Align-GVGD: "Class C0"). Algorithms developed to predict the effect of sequence changes on RNA splicing suggest that this variant may create or strengthen a splice site. In summary, the available evidence is currently insufficient to determine the role of this variant in disease. Therefore, it has been classified as a Variant of Uncertain Significance.

NM_001655.5(ARCN1):c.304A>G (p.Ile102Val)

Gene: ARCN1 (archain 1 coat protein complex I subunit delta; plus strand). Cytogenetic location: 11q23.3.
Variant type: single nucleotide variant.
Coding change: c.304A>G on transcript NM_001655.5 (MANE Select); coding-DNA position 304, A replaced by G.
Protein change: p.Ile102Val; replaces isoleucine 102 with valine.
Molecular consequence: missense variant.
Genome position (GRCh38, 1-based): chr11:118,583,215, A>G. VCF-style: chr11-118583215-A-G. GRCh37 (hg19) VCF-style: chr11-118453930-A-G.
Other names: c.40A>G, p.Ile14Val (NM_001142281.2); short protein forms I14V, I102V.
Identifiers: ClinVar variation 1419384 (VCV001419384.6), dbSNP rs782327218, ClinGen allele CA6306047.